The following is an entry in ClinVar:

NM_001854.4(COL11A1):c.3745G>A (p.Gly1249Ser)

Gene: COL11A1 (collagen type XI alpha 1 chain; minus strand). Cytogenetic location: 1p21.1.
Variant type: single nucleotide variant.
Coding change: c.3745G>A on transcript NM_001854.4 (MANE Select); coding-DNA position 3745, G replaced by A.
Protein change: p.Gly1249Ser; replaces glycine 1249 with serine.
Molecular consequence: missense variant. On other transcripts: non-coding transcript variant (1).
Genome position (GRCh38, 1-based): chr1:102,920,328, C>T on the plus strand (G>A on the coding strand, the complement: COL11A1 is on the minus strand). VCF-style: chr1-102920328-C-T. GRCh37 (hg19) VCF-style: chr1-103385884-C-T.
Other names: c.3397G>A, p.Gly1133Ser (NM_001168249.1, NM_080630.4); c.3628G>A, p.Gly1210Ser (NM_001190709.2); c.3781G>A, p.Gly1261Ser (NM_080629.3); short protein forms G1133S, G1249S, G1261S, G1210S.
Identifiers: ClinVar variation 1942803 (VCV001942803.5), dbSNP rs1416193500, ClinGen allele CA341163742.

ClinVar aggregate classification (germline): Uncertain significance (1 of 4 stars; one submission).

Allele frequency attached by ClinVar (database versions not stated): gnomAD exomes below 0.00001.
gnomAD v4.1: 1 of 1,613,276 alleles (0.000062%); highest among the groups gnomAD compares: Admixed American, 0.0017%; no homozygotes.

Submission:

Labcorp Genetics (formerly Invitae), Labcorp
Classification: Uncertain significance. Last evaluated: 2022-08-16. Review status: criteria provided, single submitter. Criteria: Invitae Variant Classification Sherloc (09022015). Collection method: clinical testing. Allele origin: germline.
Comment: This sequence change replaces glycine, which is neutral and non-polar, with serine, which is neutral and polar, at codon 1249 of the COL11A1 protein (p.Gly1249Ser). This variant is present in population databases (no rsID available, gnomAD 0.003%). This variant has not been reported in the literature in individuals affected with COL11A1-related conditions. Advanced modeling of protein sequence and biophysical properties (such as structural, functional, and spatial information, amino acid conservation, physicochemical variation, residue mobility, and thermodynamic stability) performed at Invitae indicates that this missense variant is expected to disrupt COL11A1 protein function. In summary, the available evidence is currently insufficient to determine the role of this variant in disease. Therefore, it has been classified as a Variant of Uncertain Significance.